The following is an entry in ClinVar:

ClinVar aggregate classification (germline): Uncertain significance. Review status: criteria provided, multiple submitters, no conflicts (2 of 4 stars). 2 submissions from 2 submitters: Uncertain significance (2). Last evaluated 2022-06-17.

Conditions:
Mucopolysaccharidosis, MPS-III-C (MPS3C). Also called: MPS IIIC (Sanfilippo Syndrome Type C); MPS III C; MUCOPOLYSACCHARIDOSIS, TYPE IIIC; SANFILIPPO SYNDROME C; Mucopolysaccharidosis type IIIC (Sanfilippo C); mucopolysaccharidosis type 3C. Identifiers: Orphanet 581, Orphanet 79271, MedGen C0086649, MONDO:0009657, OMIM 252930.

gnomAD v4.1: 1 of 1,607,418 alleles (0.000062%); no homozygotes.

Submissions (2):

Blueprint Genetics
Classification: Uncertain significance. Last evaluated: 2022-06-17. Review status: criteria provided, single submitter. Criteria: ACMG Guidelines, 2015. Collection method: clinical testing. Allele origin: germline.

Baylor Genetics
Classification: Uncertain significance for Mucopolysaccharidosis, MPS-III-C. Last evaluated: 2017-09-01. Review status: criteria provided, single submitter. Criteria: ACMG Guidelines, 2015. Collection method: clinical testing. Allele origin: germline. Inheritance: Autosomal recessive inheritance. Affected: yes.

Literature cited by the submitters: PubMed 25326635 (cited by Baylor Genetics).

NM_152419.3(HGSNAT):c.1856G>C (p.Trp619Ser)

Gene: HGSNAT (heparan-alpha-glucosaminide N-acetyltransferase; plus strand). Cytogenetic location: 8p11.21.
Variant type: single nucleotide variant.
Coding change: c.1856G>C on transcript NM_152419.3 (MANE Select); coding-DNA position 1856, G replaced by C.
Protein change: p.Trp619Ser; replaces tryptophan 619 with serine.
Molecular consequence: missense variant.
Genome position (GRCh38, 1-based): chr8:43,199,517, G>C. VCF-style: chr8-43199517-G-C. GRCh37 (hg19) VCF-style: chr8-43054660-G-C.
Other names: c.1943G>C, p.Trp648Ser (NM_001363227.2); c.1664G>C, p.Trp555Ser (NM_001363228.2); c.992G>C, p.Trp331Ser (NM_001363229.2); short protein forms W619S, W555S, W648S, W331S.
Identifiers: ClinVar variation 561029 (VCV000561029.3), dbSNP rs1563388121, ClinGen allele CA371121659.